The following is an entry in ClinVar:

NM_000455.5(STK11):c.465-4_465-3dup

Gene: STK11 (serine/threonine kinase 11; plus strand). Cytogenetic location: 19p13.3.
Variant type: Duplication.
Coding change: c.465-4_465-3dup on transcript NM_000455.5 (MANE Select); 4 bases into the intron before coding-DNA position 465 through 3 bases into the intron before coding-DNA position 465, 2 bases duplicated (GC; older notation c.465-4_465-3dupGC).
Molecular consequence: intron variant.
Genome position (GRCh38, 1-based): chr19:1,220,369-1,220,370, GC duplicated; duplicating any 2 consecutive bases within chr19:1,220,368-1,220,370 gives the same sequence; the c. name uses the placement nearest the transcript's 3' end. VCF-style (leftmost placement, unchanged base first): chr19-1220367-C-CCG. GRCh37 (hg19) VCF-style: chr19-1220366-C-CCG.
Identifiers: ClinVar variation 1377341 (VCV001377341.6), dbSNP rs2145424092, ClinGen allele CA2573155758.

ClinVar aggregate classification (germline): Uncertain significance (1 of 4 stars; one submission).

Conditions:
Peutz-Jeghers syndrome (PJS). Also called: POLYPOSIS, HAMARTOMATOUS INTESTINAL; POLYPS-AND-SPOTS SYNDROME; Peutz-Jeghers polyposis; Periorificial lentiginosis syndrome. Identifiers: Orphanet 2869, MedGen C0031269, MeSH D010580, MONDO:0008280, OMIM 175200.

Submission:

Labcorp Genetics (formerly Invitae), Labcorp
Classification: Uncertain significance for Peutz-Jeghers syndrome. Last evaluated: 2021-08-24. Review status: criteria provided, single submitter. Criteria: Invitae Variant Classification Sherloc (09022015). Collection method: clinical testing. Allele origin: germline.
Comment: This variant is not present in population databases (ExAC no frequency). This sequence change falls in intron 3 of the STK11 gene. It does not directly change the encoded amino acid sequence of the STK11 protein. Algorithms developed to predict the effect of sequence changes on RNA splicing suggest that this variant may disrupt the consensus splice site. This variant has not been reported in the literature in individuals affected with STK11-related conditions. In summary, the available evidence is currently insufficient to determine the role of this variant in disease. Therefore, it has been classified as a Variant of Uncertain Significance.